The following is an entry in ClinVar:

NM_004539.4(NARS1):c.381del (p.Arg127_Val128insTer)

Gene: NARS1 (asparaginyl-tRNA synthetase 1; minus strand). Cytogenetic location: 18q21.31.
Variant type: Deletion.
Coding change: c.381del on transcript NM_004539.4 (MANE Select); coding-DNA position 381, one base deleted (A; older notation c.381delA).
Protein change: p.Arg127_Val128insTer.
Molecular consequence: frameshift variant.
Genome position (GRCh38, 1-based): chr18:57,613,642, T deleted on the plus strand (A on the coding strand, the reverse complement: NARS1 is on the minus strand). VCF-style (leftmost placement, unchanged base first): chr18-57613641-CT-C. GRCh37 (hg19) VCF-style: chr18-55280873-CT-C.
Identifiers: ClinVar variation 5000127 (VCV005000127.1).
Genomic context (GRCh38, chr18:57,613,641, plus strand): 5'-AGGAAAAGCTTTGCCATTTACCTTGCCTGCGCAGCCTGTGGACCCAGCCAAACACCTTTA[CT>C]CTTTGGCCTCTATATCCTTCTAACGCACCAATCTTCACCTGTCAAATTGAAATAAACAAC-3'

ClinVar aggregate classification (germline): Uncertain significance (1 of 4 stars; one submission).

Conditions:
NARS1-related disorder. Also called: NARS1-related condition.

Submission:

PreventionGenetics, part of Exact Sciences
Classification: Uncertain significance for NARS1-related condition. Last evaluated: 2026-08-06. Review status: criteria provided, single submitter. Criteria: ACMG Guidelines, 2015. Collection method: clinical testing. Allele origin: germline.
Comment: The NARS1 c.381delA variant is predicted to result in premature protein termination (p.Val128*). To our knowledge, this variant has not been reported in the literature or in a large population database (gnomAD), indicating this variant is rare. Truncating variants upstream of the last exon have been reported in autosomal recessive NARS1-related disease (Manole et al. 2020. PubMed ID: 32738225; Wang et al. 2020. PubMed ID: 32788587); however, truncating variants downstream of this variant outside of the last exon have not been reported in individuals with NARS1-related disease at this time. Although we suspect that this variant may be pathogenic for autosomal recessive disease, at this time, the clinical significance of this variant is uncertain due to the absence of conclusive functional and genetic evidence. With regards to autosomal dominant disease, the clinical significance of this variant is uncertain due to the absence of conclusive functional and genetic evidence.